The following is an entry in ClinVar:

ClinVar aggregate classification (germline): Likely pathogenic (1 of 4 stars; one submission).

Conditions:
Charcot-Marie-Tooth disease, type I (CMT1). Also called: Charcot-Marie-Tooth disease type 1; Charcot-Marie-Tooth, Type 1. Identifiers: Orphanet 65753, MedGen C0751036, MONDO:0019011.

Submission:

Labcorp Genetics (formerly Invitae), Labcorp
Classification: Likely pathogenic for Charcot-Marie-Tooth disease, type I. Last evaluated: 2023-12-27. Review status: criteria provided, single submitter. Criteria: Invitae Variant Classification Sherloc (09022015). Collection method: clinical testing. Allele origin: germline.
Comment: This sequence change replaces leucine, which is neutral and non-polar, with proline, which is neutral and non-polar, at codon 147 of the PMP22 protein (p.Leu147Pro). This variant is not present in population databases (gnomAD no frequency). This missense change has been observed in individual(s) with Charcot-Marie-Tooth disease (Invitae). Advanced modeling of protein sequence and biophysical properties (such as structural, functional, and spatial information, amino acid conservation, physicochemical variation, residue mobility, and thermodynamic stability) performed at Invitae indicates that this missense variant is expected to disrupt PMP22 protein function with a positive predictive value of 95%. This variant disrupts the p.Leu147 amino acid residue in PMP22. Other variant(s) that disrupt this residue have been determined to be pathogenic (PMID: 8655153). This suggests that this residue is clinically significant, and that variants that disrupt this residue are likely to be disease-causing. In summary, the currently available evidence indicates that the variant is pathogenic, but additional data are needed to prove that conclusively. Therefore, this variant has been classified as Likely Pathogenic.

Literature cited by the submitters: PubMed 8655153.

NM_000304.4(PMP22):c.440T>C (p.Leu147Pro)

Gene: PMP22 (peripheral myelin protein 22; minus strand). Cytogenetic location: 17p12.
Variant type: single nucleotide variant.
Coding change: c.440T>C on transcript NM_000304.4 (MANE Select); coding-DNA position 440, T replaced by C.
Protein change: p.Leu147Pro; replaces leucine 147 with proline.
Molecular consequence: missense variant. On other transcripts: non-coding transcript variant (2).
Genome position (GRCh38, 1-based): chr17:15,230,960, A>G on the plus strand (T>C on the coding strand, the complement: PMP22 is on the minus strand). VCF-style: chr17-15230960-A-G. GRCh37 (hg19) VCF-style: chr17-15134277-A-G.
Other names: c.440T>C, p.Leu147Pro (NM_001281455.2, NM_001281456.2, NM_153321.3 and 1 more transcripts); short protein forms L147P.
Identifiers: ClinVar variation 2913861 (VCV002913861.3), dbSNP rs1597597445, ClinGen allele CA398739523.